The following continues an entry in ClinVar:

NM_007294.4(BRCA1):c.693G>A (p.Thr231=)

Gene: BRCA1. ClinVar aggregate classification (germline): Likely benign. Likely benign (1).

Submissions 14 to 21 of 21:

Women's Health and Genetics/Laboratory Corporation of America, LabCorp
Classification: Likely benign. Last evaluated: 2020-01-31. Review status: criteria provided, single submitter. Criteria: LabCorp Variant Classification Summary - May 2015. Collection method: clinical testing. Allele origin: germline. Not counted in ClinVar's aggregate classification.
Comment: Variant summary: BRCA1 c.693G>A results in a synonymous change. 4/4 computational tools predict no significant impact on normal splicing. However, multiple publications reports experimental evidence that this variant affects mRNA splicing, with the variant determining exon 11 skipping and a marked increase in amounts of the D(11) isoform (Brandao_2011, Raponi_2012, Tammaro_2014). The physiological consequences of this alteration are unknown since exon 11 skipping also occurs in normal breast tissue. The variant allele was found at a frequency of 6.9e-05 in 247680 control chromosomes. This frequency is not significantly higher than expected for a pathogenic variant in BRCA1 causing Hereditary Breast and Ovarian Cancer (6.9e-05 vs 0.001), allowing no conclusion about variant significance. c.693G>A has been reported in the literature in sequencing studies of individuals affected with Hereditary Breast and Ovarian Cancer (example, Borg_2010, Brandao_2011, Song_2006, Momozawa_2018, Kraemer_2019). These report(s) do not provide unequivocal conclusions about association of the variant with Hereditary Breast and Ovarian Cancer. One recently published case control association study of Japanese individuals showed no association of this variant with breast cancer in males and females (Momozawa_2019). At-least one co-occurrence with another pathogenic variant has been reported in the UMD database (BRCA2 c.6082_6086delGAAGA, p.Glu2028LysfsX19), providing supporting evidence for a benign role. Eight clinical diagnostic laboratories have submitted clinical-significance assessments for this variant to ClinVar after 2014 without evidence for independent evaluation. Multiple laboratories reported the variant with conflicting assessments (benign, n=2; likely benign, n=2; VUS, n=4). Some of these submitters provide overlapping evidences utilized in the context of this evaluation. We have observed this variant at a frequency of 0.01% in our tested cohort and previously classified the variant as a VUS weighting the reported splicing evidence in our evaluation. However, in over two years since its initial evaluation, we have not observed any additional evidence supporting a pathogenic outcome and at-least one additional report supporting no association with breast cancer has been ascertained (Momozawa_2018). Based on the evidence outlined above, the variant was re-classified as likely benign.

Molecular Genetics Laboratory, University of Michigan
Classification: Benign for Breast-ovarian cancer, familial, susceptibility to, 1. Last evaluated: 2016-04-21. Review status: criteria provided, single submitter. Criteria: ACMG Guidelines, 2015. Collection method: clinical testing. Allele origin: germline. Affected: yes. Not counted in ClinVar's aggregate classification.

Laboratory for Molecular Medicine, Mass General Brigham Personalized Medicine
Classification: Uncertain significance. Last evaluated: 2016-03-29. Review status: criteria provided, single submitter. Criteria: LMM Criteria. Collection method: clinical testing. Allele origin: germline. Not counted in ClinVar's aggregate classification.
Comment: Variant identified in a genome or exome case(s) and assessed due to predicted null impact of the variant or pathogenic assertions in the literature or databases. Disclaimer: This variant has not undergone full assessment. The following are preliminary notes: Silent, not in splice site. ExAC: 1/5842 Finnish chromosomes; ClinVar: 2 labs B/LB, 2 labs VUS; 1 paper investigating constraint against synonymous substitutions in BRCA exon 11

Color Diagnostics, LLC DBA Color Health
Classification: Likely benign for Hereditary cancer-predisposing syndrome. Last evaluated: 2014-12-12. Review status: criteria provided, single submitter. Criteria: ACMG Guidelines, 2015. Collection method: clinical testing. Allele origin: germline. Not counted in ClinVar's aggregate classification.

PreventionGenetics, part of Exact Sciences
Classification: Likely benign for BRCA1-related condition. Last evaluated: 2019-09-26. Review status: no assertion criteria provided. Collection method: clinical testing. Allele origin: germline. Not counted in ClinVar's aggregate classification.
Comment: This variant is classified as likely benign based on ACMG/AMP sequence variant interpretation guidelines (Richards et al. 2015 PMID: 25741868, with internal and published modifications).

True Health Diagnostics
Classification: Uncertain significance for Hereditary cancer-predisposing syndrome. Last evaluated: 2018-04-06. Review status: no assertion criteria provided. Collection method: clinical testing. Allele origin: germline. Not counted in ClinVar's aggregate classification.

Sharing Clinical Reports Project (SCRP)
Classification: Benign for Breast-ovarian cancer, familial 1. Last evaluated: 2011-03-02. Review status: no assertion criteria provided. Collection method: clinical testing. Allele origin: germline. Not counted in ClinVar's aggregate classification.

Department of Pathology and Laboratory Medicine, Sinai Health System
Classification: Uncertain significance for Malignant tumor of breast. Review status: no assertion criteria provided. Collection method: clinical testing. Allele origin: unknown. Affected: yes. Study: The Canadian Open Genetics Repository (COGR). Not counted in ClinVar's aggregate classification.
Comment: The BRCA1 p.Thr231= variant was identified in 5 of 20638 proband chromosomes (frequency: 0.0002) from individuals or families with breast and ovarian cancer and was present in 5 of 47462 control chromosomes (frequency: 0.0001) from healthy individuals (Momozawa 2018, Borg 2010, Brandao 2011, Song 2006). The variant was also identified in dbSNP (ID: rs62625298) as "With Likely benign, Uncertain significance allele", ClinVar (classified as uncertain significance by GeneDx and 5 other submitters; as likely benign by ENIGMA expert panel in 2017 and Ambry Genetics; and as benign by Invitae and 2 other submitters), LOVD 3.0 and in UMD-LSDB (15 records, neutral classification). In UMD, the variant was reported as co-occurring with a pathogenic BRCA2 variant (c.6082_6086del, p.Glu2028Lysfs*19), increasing the likelihood that the p.Thr231= variant does not have clinical significance. It was identified in control databases in 22 of 274654 chromosomes at a frequency of 0.00008 (Genome Aggregation Database Feb 27, 2017). The variant was observed in the following populations: African in 1 of 23876 chromosomes (freq: 0.00004), Other in 1 of 6404 chromosomes (freq: 0.0002), Latino in 2 of 34158 chromosomes (freq: 0.00006), European in 14 of 125226 chromosomes (freq: 0.0001), and Finnish in 4 of 25642 chromosomes (freq: 0.0002), while it was not observed in the Ashkenazi Jewish, East Asian or South Asian populations. This variant was demonstrated to result in partial exon 11 skipping by RT-PCR and mini-gene assays, although the biological significance of the change in the ratio of splicing isoforms is unclear (Brandao 2011, Raponi 2012, Tammaro 2015). The p.Thr231= variant is not expected to have clinical significance because it does not result in a change of amino acid and is not located in a known consensus splice site. However, 1 of 4 in silico or computational prediction software programs (SpliceSiteFinder, MaxEntScan, NNSPLICE, GeneSplicer) predict a greater than 10% difference in splicing; this is not very predictive of pathogenicity. In summary, based on the above information, the clinical significance of this variant cannot be determined with certainty at this time. This variant is classified as a variant of uncertain significance.

Literature cited by the submitters: PubMed 30702160 (cited by Quest Diagnostics Nichols Institute San Juan Capistrano); PubMed 34597585 (cited by Quest Diagnostics Nichols Institute San Juan Capistrano); PubMed 32467295 (cited by Quest Diagnostics Nichols Institute San Juan Capistrano); PubMed 25056543 (cited by 3 submitters); PubMed 30287823 (cited by 3 submitters); PubMed 16835750 (cited by Quest Diagnostics Nichols Institute San Juan Capistrano and Women's Health and Genetics/Laboratory Corporation of America, LabCorp); PubMed 22817731 (cited by Quest Diagnostics Nichols Institute San Juan Capistrano); PubMed 35477782 (cited by Quest Diagnostics Nichols Institute San Juan Capistrano); PubMed 21638052 (cited by 3 submitters); PubMed 20104584 (cited by 3 submitters); PubMed 22615956 (cited by 3 submitters); PubMed 19370767 (cited by Quest Diagnostics Nichols Institute San Juan Capistrano and Women's Health and Genetics/Laboratory Corporation of America, LabCorp); PubMed 21702907 (cited by Quest Diagnostics Nichols Institute San Juan Capistrano and Women's Health and Genetics/Laboratory Corporation of America, LabCorp); PubMed 31422574 (cited by Quest Diagnostics Nichols Institute San Juan Capistrano and Women's Health and Genetics/Laboratory Corporation of America, LabCorp).